The following is an entry in ClinVar:

ClinVar aggregate classification (germline): Uncertain significance. Review status: criteria provided, multiple submitters, no conflicts (2 of 4 stars). 4 submissions from 4 submitters: Uncertain significance (4). Last evaluated 2025-02-13.

Conditions:
Inborn genetic diseases. Identifiers: MedGen C0950123, MeSH D030342.

Allele frequency attached by ClinVar (database versions not stated): gnomAD 0.00001.
gnomAD v4.1: 13 of 1,613,452 alleles (0.00081%); highest among the groups gnomAD compares: South Asian, 0.0044%; no homozygotes.

Submissions (4):

Labcorp Genetics (formerly Invitae), Labcorp
Classification: Uncertain significance. Last evaluated: 2025-02-13. Review status: criteria provided, single submitter. Criteria: Invitae Variant Classification Sherloc (09022015). Collection method: clinical testing. Allele origin: germline.
Comment: This sequence change replaces glycine, which is neutral and non-polar, with serine, which is neutral and polar, at codon 166 of the TFAP2A protein (p.Gly166Ser). This variant is not present in population databases (gnomAD no frequency). This variant has not been reported in the literature in individuals affected with TFAP2A-related conditions. ClinVar contains an entry for this variant (Variation ID: 1981226). Invitae Evidence Modeling of protein sequence and biophysical properties (such as structural, functional, and spatial information, amino acid conservation, physicochemical variation, residue mobility, and thermodynamic stability) indicates that this missense variant is not expected to disrupt TFAP2A protein function with a negative predictive value of 80%. In summary, the available evidence is currently insufficient to determine the role of this variant in disease. Therefore, it has been classified as a Variant of Uncertain Significance.

GeneDx
Classification: Uncertain significance. Last evaluated: 2023-05-10. Review status: criteria provided, single submitter. Criteria: GeneDx Variant Classification Process June 2021. Collection method: clinical testing. Allele origin: germline. Affected: yes.
Comment: Not observed at significant frequency in large population cohorts (gnomAD); In silico analysis supports that this missense variant does not alter protein structure/function; Has not been previously published as pathogenic or benign to our knowledge

Ambry Genetics
Classification: Uncertain significance for Inborn genetic diseases. Last evaluated: 2023-01-17. Review status: criteria provided, single submitter. Criteria: Ambry Variant Classification Scheme 2023. Collection method: clinical testing. Allele origin: germline.

Blueprint Genetics
Classification: Uncertain significance. Last evaluated: 2019-03-06. Review status: criteria provided, single submitter. Criteria: ACMG Guidelines, 2015. Collection method: clinical testing. Allele origin: germline.

NM_001372066.1(TFAP2A):c.502G>A (p.Gly168Ser)

Genes: TFAP2A (transcription factor AP-2 alpha; minus strand), TFAP2A-AS2 (TFAP2A antisense RNA 2; plus strand). Cytogenetic location: 6p24.3.
Variant type: single nucleotide variant.
Coding change: c.502G>A on transcript NM_001372066.1 (MANE Select); coding-DNA position 502, G replaced by A.
Protein change: p.Gly168Ser; replaces glycine 168 with serine.
Molecular consequence: missense variant. On other transcripts: non-coding transcript variant (1).
Genome position (GRCh38, 1-based): chr6:10,406,829, C>T on the plus strand (G>A on the coding strand, the complement: TFAP2A is on the minus strand). VCF-style: chr6-10406829-C-T. GRCh37 (hg19) VCF-style: chr6-10407062-C-T.
Other names: NM_003220.2:c.496G>A; c.478G>A, p.Gly160Ser (NM_001032280.3); c.484G>A, p.Gly162Ser (NM_001042425.3); short protein forms G162S, G160S, G168S.
Identifiers: ClinVar variation 1981226 (VCV001981226.8), dbSNP rs1449365849, ClinGen allele CA362702730.